The following is an entry in ClinVar:

ClinVar aggregate classification (germline): Likely pathogenic (1 of 4 stars; one submission).

Conditions:
Autosomal recessive limb-girdle muscular dystrophy type 2J (LGMDR10). Also called: Limb-girdle muscular dystrophy, type 2J; MUSCULAR DYSTROPHY, LIMB-GIRDLE, AUTOSOMAL RECESSIVE 10. Identifiers: Orphanet 140922, MedGen C1837342, MONDO:0012127, OMIM 608807.
Dilated cardiomyopathy 1G (CMD1G). Identifiers: Orphanet 154, MedGen C1858763, MONDO:0011400, OMIM 604145.

Submission:

Labcorp Genetics (formerly Invitae), Labcorp
Classification: Likely pathogenic for Dilated cardiomyopathy 1G; Autosomal recessive limb-girdle muscular dystrophy type 2J. Last evaluated: 2025-06-25. Review status: criteria provided, single submitter. Criteria: Invitae Variant Classification Sherloc (09022015). Collection method: clinical testing. Allele origin: germline.
Comment: This sequence change inserts a large fragment of DNA, likely a transposable element, in exon 333 of the TTN gene (c.89094_89095ins?), causing a frameshift at codon 29699 (p.Thr29699fs). The exact size and sequence of the insertion cannot be determined by the current assay. While this is not anticipated to result in nonsense mediated decay, it is expected to create a truncated TTN protein. This variant is not present in population databases (gnomAD no frequency). This variant has not been reported in the literature in individuals affected with TTN-related conditions. This variant is located in the A band of TTN (PMID: 25589632). Truncating variants in this region are significantly overrepresented in patients affected with dilated cardiomyopathy (PMID: 25589632). Truncating variants in this region have also been reported in individuals affected with autosomal recessive centronuclear myopathy (PMID: 23975875). Retrotransposon insertions including LINE1 (L1), Alu, and SVA (SINE-VNTR-Alu) have been reported to disrupt protein function (PMID: 19763152, 20307669, 22406018). However the effect of this particular variant is unknown. In summary, the currently available evidence indicates that the variant is pathogenic, but additional data are needed to prove that conclusively. Therefore, this variant has been classified as Likely Pathogenic.

Literature cited by the submitters: PubMed 25589632; PubMed 23975875; PubMed 19763152; PubMed 20307669; PubMed 22406018.

NM_001267550.2(TTN):c.89094_89095insGGCCGGGCGCGGTGGCTCACGCCTGTAATCCCAGCACTTTGGGAGGCCGAGGCGGGCGGATCACGAGGNNNNNNNNNNAAAAAAAAAAAAAAAAAAAAAAAAAGTAACAGGACTC (p.Thr29699fs)

Genes: TTN (titin; minus strand), TTN-AS1 (TTN antisense RNA 1; plus strand). Cytogenetic location: 2q31.2.
Variant type: Insertion.
Coding change: c.89094_89095insGGCCGGGCGCGGTGGCTCACGCCTGTAATCCCAGCACTTTGGGAGGCCGAGGCGGGCGGATCACGAGGNNNNNNNNNNAAAAAAAAAAAAAAAAAAAAAAAAAGTAACAGGACTC on transcript NM_001267550.2 (MANE Select); coding-DNA positions 89094 to 89095, GGCCGGGCGCGGTGGCTCACGCCTGTAATCCCAGCACTTTGGGAGGCCGAGGCGGGCGGATCACGAGGNNNNNNNNNNAAAAAAAAAAAAAAAAAAAAAAAAAGTAACAGGACTC inserted.
Protein change: p.Thr29699fs; shifts the reading frame from threonine 29699.
Molecular consequence: frameshift variant.
Genome position: GRCh38: chr2:178,554,033-178,554,034. GRCh37 (hg19): chr2:179,418,760-179,418,761.
Other names: c.84171_84172insGGCCGGGCGCGGTGGCTCACGCCTGTAATCCCAGCACTTTGGGAGGCCGAGGCGGGCGGATCACGAGGNNNNNNNNNNAAAAAAAAAAAAAAAAAAAAAAAAAGTAACAGGACTC, p.Thr28058fs (NM_001256850.1); c.61899_61900insGGCCGGGCGCGGTGGCTCACGCCTGTAATCCCAGCACTTTGGGAGGCCGAGGCGGGCGGATCACGAGGNNNNNNNNNNAAAAAAAAAAAAAAAAAAAAAAAAAGTAACAGGACTC, p.Thr20634fs (NM_003319.4); c.81390_81391insGGCCGGGCGCGGTGGCTCACGCCTGTAATCCCAGCACTTTGGGAGGCCGAGGCGGGCGGATCACGAGGNNNNNNNNNNAAAAAAAAAAAAAAAAAAAAAAAAAGTAACAGGACTC, p.Thr27131fs (NM_133378.4); c.62274_62275insGGCCGGGCGCGGTGGCTCACGCCTGTAATCCCAGCACTTTGGGAGGCCGAGGCGGGCGGATCACGAGGNNNNNNNNNNAAAAAAAAAAAAAAAAAAAAAAAAAGTAACAGGACTC, p.Thr20759fs (NM_133432.3); c.62475_62476insGGCCGGGCGCGGTGGCTCACGCCTGTAATCCCAGCACTTTGGGAGGCCGAGGCGGGCGGATCACGAGGNNNNNNNNNNAAAAAAAAAAAAAAAAAAAAAAAAAGTAACAGGACTC, p.Thr20826fs (NM_133437.4); short protein forms T20634fs, T27131fs, T20826fs, T28058fs, T29699fs, T20759fs.
Identifiers: ClinVar variation 4785399 (VCV004785399.1).